The following is an entry in ClinVar:

ClinVar aggregate classification (germline): Likely benign (1 of 4 stars; one submission).

Conditions:
MCM10-related condition.

gnomAD v4.1: 252 of 1,614,142 alleles (0.016%); highest among the groups gnomAD compares: South Asian, 0.26%; 5 homozygotes.

Submission:

PreventionGenetics, part of Exact Sciences
Classification: Likely benign for MCM10-related condition. Last evaluated: 2025-01-06. Review status: criteria provided, single submitter. Criteria: ACMG Guidelines, 2015. Collection method: clinical testing. Allele origin: germline.
Comment: This variant is classified as likely benign based on ACMG/AMP sequence variant interpretation guidelines (Richards et al. 2015 PMID: 25741868, with internal and published modifications).

NM_018518.5(MCM10):c.153C>A (p.Asp51Glu)

Gene: MCM10 (minichromosome maintenance 10 replication initiation factor; plus strand). Cytogenetic location: 10p13.
Variant type: single nucleotide variant.
Coding change: c.153C>A on transcript NM_018518.5 (MANE Select); coding-DNA position 153, C replaced by A.
Protein change: p.Asp51Glu; replaces aspartic acid 51 with glutamic acid.
Molecular consequence: missense variant.
Genome position (GRCh38, 1-based): chr10:13,171,067, C>A. VCF-style: chr10-13171067-C-A. GRCh37 (hg19) VCF-style: chr10-13213067-C-A.
Other names: c.153C>A, p.Asp51Glu (NM_182751.3); short protein forms D51E.
Identifiers: ClinVar variation 4983500 (VCV004983500.1).